The following is an entry in ClinVar:

ClinVar aggregate classification (germline): Uncertain significance (1 of 4 stars; one submission).

Conditions:
Epidermodysplasia verruciformis. Identifiers: Orphanet 302, MedGen C0014522, MONDO:0009176.

Allele frequency attached by ClinVar (database versions not stated): ExAC 0.00002; gnomAD 0.00003 and 0.00004; gnomAD exomes 0.00003 and 0.00004; TOPMed 0.00003.
gnomAD v4.1: 49 of 1,613,920 alleles (0.003%); highest among the groups gnomAD compares: Non-Finnish European, 0.0039%; no homozygotes.

Submission:

Labcorp Genetics (formerly Invitae), Labcorp
Classification: Uncertain significance for Epidermodysplasia verruciformis. Last evaluated: 2022-08-23. Review status: criteria provided, single submitter. Criteria: Invitae Variant Classification Sherloc (09022015). Collection method: clinical testing. Allele origin: germline.
Comment: Variants that disrupt the consensus splice site are a relatively common cause of aberrant splicing (PMID: 17576681, 9536098). Algorithms developed to predict the effect of sequence changes on RNA splicing suggest that this variant is not likely to affect RNA splicing. In summary, the available evidence is currently insufficient to determine the role of this variant in disease. Therefore, it has been classified as a Variant of Uncertain Significance. ClinVar contains an entry for this variant (Variation ID: 1498000). This variant has not been reported in the literature in individuals affected with TMC6-related conditions. This variant is present in population databases (rs779755857, gnomAD 0.009%). This sequence change falls in intron 13 of the TMC6 gene. It does not directly change the encoded amino acid sequence of the TMC6 protein. It affects a nucleotide within the consensus splice site.

Literature cited by the submitters: PubMed 17576681; PubMed 9536098.

NM_001127198.5(TMC6):c.1715+6G>A

Gene: TMC6 (transmembrane channel like 6; minus strand). Cytogenetic location: 17q25.3.
Variant type: single nucleotide variant.
Coding change: c.1715+6G>A on transcript NM_001127198.5 (MANE Select); 6 bases into the intron after coding-DNA position 1715, G replaced by A.
Molecular consequence: intron variant.
Genome position (GRCh38, 1-based): chr17:78,120,647, C>T on the plus strand (G>A on the coding strand, the complement: TMC6 is on the minus strand). VCF-style: chr17-78120647-C-T. GRCh37 (hg19) VCF-style: chr17-76116728-C-T.
Other names: c.1535+366G>A (NM_001374594.1, NM_001374593.1); c.1715+6G>A (NM_001374596.1, NM_007267.7, NM_001321185.1 and 2 more transcripts).
Identifiers: ClinVar variation 1498000 (VCV001498000.4), dbSNP rs779755857, ClinGen allele CA8795643.